The following is an entry in ClinVar:

NM_018089.3(ANKZF1):c.58A>G (p.Ser20Gly)

Gene: ANKZF1 (ankyrin repeat and zinc finger peptidyl tRNA hydrolase 1; plus strand). Cytogenetic location: 2q35.
Variant type: single nucleotide variant.
Coding change: c.58A>G on transcript NM_018089.3 (MANE Select); coding-DNA position 58, A replaced by G.
Protein change: p.Ser20Gly; replaces serine 20 with glycine.
Molecular consequence: missense variant. On other transcripts: intron variant (1).
Genome position (GRCh38, 1-based): chr2:219,230,315, A>G. VCF-style: chr2-219230315-A-G. GRCh37 (hg19) VCF-style: chr2-220095037-A-G.
Other names: c.58A>G, p.Ser20Gly (NM_001042410.2); c.-267+415A>G (NM_001282792.2); short protein forms S20G.
Identifiers: ClinVar variation 2833672 (VCV002833672.3), dbSNP rs1245279610, ClinGen allele CA350669991.
Genomic context (GRCh38, chr2:219,230,315, plus strand): 5'-GCCATGTCGCCGGCTCCAGATGCAGCCCCGGCTCCTGCGTCGATCTCCCTGTTTGACCTC[A>G]GCGCGGATGCTCCGGTCTTTCAGGGCCTGAGCCTGGTGAGCCACGCGCCTGGGGAGGCTC-3'
Protein context (NP_060559.2, residues 10-30): APASISLFDL[Ser20Gly]ADAPVFQGLS

ClinVar aggregate classification (germline): Uncertain significance (1 of 4 stars; one submission).

Allele frequency attached by ClinVar (database versions not stated): gnomAD exomes below 0.00001; TOPMed 0.00001.
gnomAD v4.1: 3 of 1,614,110 alleles (0.00019%); highest among the groups gnomAD compares: African/African-American, 0.0027%; no homozygotes.

Submission:

Labcorp Genetics (formerly Invitae), Labcorp
Classification: Uncertain significance. Last evaluated: 2023-08-17. Review status: criteria provided, single submitter. Criteria: Invitae Variant Classification Sherloc (09022015). Collection method: clinical testing. Allele origin: germline.
Comment: This sequence change replaces serine, which is neutral and polar, with glycine, which is neutral and non-polar, at codon 20 of the ANKZF1 protein (p.Ser20Gly). This variant is not present in population databases (gnomAD no frequency). This variant has not been reported in the literature in individuals affected with ANKZF1-related conditions. An algorithm developed to predict the effect of missense changes on protein structure and function (PolyPhen-2) suggests that this variant is likely to be tolerated. In summary, the available evidence is currently insufficient to determine the role of this variant in disease. Therefore, it has been classified as a Variant of Uncertain Significance.